The following is an entry in ClinVar:

ClinVar aggregate classification (germline): Pathogenic/Likely pathogenic. Review status: criteria provided, multiple submitters, no conflicts (2 of 4 stars). 9 submissions from 8 submitters: Pathogenic (7); Likely pathogenic (1). 1 of the submissions does not count toward it. Last evaluated 2025-11-26.

Conditions:
DGUOK-related disorder. Also called: DGUOK-related condition.
Portal hypertension, noncirrhotic, 1 (NCPH1). Identifiers: MedGen CN305369, MONDO:8000013, OMIM 617068.
Progressive external ophthalmoplegia with mitochondrial DNA deletions, autosomal recessive 4. Also called: PROGRESSIVE EXTERNAL OPHTHALMOPLEGIA, AUTOSOMAL RECESSIVE 4; Adult-onset multiple mitochondrial DNA deletion syndrome due to DGUOK deficiency. Identifiers: Orphanet 329314, MedGen C4310733, MONDO:0014899, OMIM 617070.
Mitochondrial DNA depletion syndrome 3 (hepatocerebral type). Also called: Mitochondrial DNA depletion syndrome, hepatocerebral form due to DGUOK deficiency; MITOCHONDRIAL DNA DEPLETION SYNDROME 3; Deoxyguanosine Kinase Deficiency. Identifiers: Orphanet 279934, MedGen CN074093, MONDO:0009636, OMIM 251880.
Portal hypertension, noncirrhotic. Identifiers: MedGen C4310735, MONDO:0024193.

Allele frequency attached by ClinVar (database versions not stated): ExAC 0.00004; gnomAD exomes 0.00004 and 0.00014; gnomAD 0.00005; TOPMed 0.00005.
gnomAD v4.1: 206 of 1,614,004 alleles (0.013%); highest among the groups gnomAD compares: Non-Finnish European, 0.017%; no homozygotes.

Submissions (10):

Labcorp Genetics (formerly Invitae), Labcorp
Classification: Pathogenic. Last evaluated: 2025-11-26. Review status: criteria provided, single submitter. Criteria: Invitae Variant Classification Sherloc (09022015). Collection method: clinical testing. Allele origin: germline.
Comment: This sequence change affects codon 197 of the DGUOK mRNA. It is a 'silent' change, meaning that it does not change the encoded amino acid sequence of the DGUOK protein. RNA analysis indicates that this variant induces altered splicing and may result in an absent or altered protein product. This variant is present in population databases (rs748597500, gnomAD 0.01%). This variant has been observed in individual(s) with mitochondrial DNA depletion syndrome (PMID: 17073823, 17452231, 18205204). In at least one individual the data is consistent with being in trans (on the opposite chromosome) from a pathogenic variant. ClinVar contains an entry for this variant (Variation ID: 214286). Variants that disrupt the consensus splice site are a relatively common cause of aberrant splicing (PMID: 17576681, 9536098). Studies have shown that this variant results in skipping of exon 4, and produces a non-functional protein and/or introduces a premature termination codon (PMID: 17073823). For these reasons, this variant has been classified as Pathogenic.

Fulgent Genetics
Classification: Pathogenic for Mitochondrial DNA depletion syndrome 3 (hepatocerebral type); Portal hypertension, noncirrhotic, 1; Progressive external ophthalmoplegia with mitochondrial DNA deletions, autosomal recessive 4. Last evaluated: 2024-04-16. Review status: criteria provided, single submitter. Criteria: ACMG Guidelines, 2015. Collection method: clinical testing. Allele origin: germline.

Blueprint Genetics
Classification: Likely pathogenic for DGUOK-related disorders. Last evaluated: 2023-12-14. Review status: criteria provided, single submitter. Criteria: ACMG Guidelines, 2015. Collection method: clinical testing. Allele origin: germline. Affected: yes. Observed: 2 variant alleles.

Women's Health and Genetics/Laboratory Corporation of America, LabCorp
Classification: Pathogenic for DGUOK-Related Disorders. Last evaluated: 2023-09-18. Review status: criteria provided, single submitter. Criteria: LabCorp Variant Classification Summary - May 2015. Collection method: clinical testing. Allele origin: germline.
Comment: Variant summary: DGUOK c.591G>A (p.Gln197Gln) alters a conserved nucleotide located close to a canonical splice site and therefore could affect mRNA splicing, leading to a significantly altered protein sequence. Several computational tools predict a significant impact on normal splicing: Two predict the variant abolishes a canonical 5' splicing donor site, and two predict the variant weakens this site. At least one publication reports experimental evidence that this variant affects mRNA splicing, finding that it results in exon skipping (Mousson de Camaret_2007). The variant allele was found at a frequency of 4e-05 in 251478 control chromosomes (gnomAD). c.591G>A has been reported in the literature in individuals affected with DGUOK-Related Disorders (Mousson de Camaret_2007, Dimmock_2008, Sarzi_2007, Nesbitt), and some were reported as compound heterozygous with other pathogenic variants. These data indicate that the variant is likely to be associated with disease. The following publications have been ascertained in the context of this evaluation (PMID: 17073823, 18205204, 17452231, 24642831). Four submitters have cited clinical-significance assessments for this variant to ClinVar after 2014. All submitters classified the variant as pathogenic. Based on the evidence outlined above, the variant was classified as pathogenic.

Baylor Genetics
Classification: Pathogenic for Mitochondrial DNA depletion syndrome 3 (hepatocerebral type). Last evaluated: 2023-08-14. Review status: criteria provided, single submitter. Criteria: ACMG Guidelines, 2015. Collection method: clinical testing. Allele origin: unknown.

GeneDx
Classification: Pathogenic. Last evaluated: 2022-10-29. Review status: criteria provided, single submitter. Criteria: GeneDx Variant Classification Process June 2021. Collection method: clinical testing. Allele origin: germline. Affected: yes.
Comment: Variant affects the normal splice acceptor site in intron 4 and results in abnormal gene splicing by skipping exon 4 (Mousson et al., 2007); Not observed at significant frequency in large population cohorts (gnomAD); This variant is associated with the following publications: (PMID: 29137425, 17073823, 34299348, 30665703, 32278775, 34099697, 34026460)

Fulgent Genetics
Classification: Pathogenic for Mitochondrial DNA depletion syndrome 3 (hepatocerebral type); Portal hypertension, noncirrhotic, 1; Progressive external ophthalmoplegia with mitochondrial DNA deletions, autosomal recessive 4. Last evaluated: 2018-10-31. Review status: criteria provided, single submitter. Criteria: ACMG Guidelines, 2015. Collection method: clinical testing. Allele origin: unknown.

Eurofins Ntd Llc (ga)
Classification: Pathogenic. Last evaluated: 2018-04-16. Review status: criteria provided, single submitter. Criteria: EGL ClinVar v180209 classification definitions. Collection method: clinical testing. Allele origin: germline. Observed: 1 variant allele, 1 heterozygote.

PreventionGenetics, part of Exact Sciences
Classification: Pathogenic for DGUOK-related condition. Last evaluated: 2024-07-19. Review status: no assertion criteria provided. Collection method: clinical testing. Allele origin: germline. Not counted in ClinVar's aggregate classification.
Comment: The DGUOK c.591G>A is a noncoding alteration. This variant was reported in individuals with mitochondrial DNA depletion syndrome (Mousson de Camaret et al. 2007. PubMed ID: 17073823; Sarzi et al. 2007. PubMed ID: 17452231; Dimmock et al. 2008. PubMed ID: 18205204). Additional analysis of cDNA from the patient's fibroblasts determined that the c.591G>A variant leads to skipping of exon 4 (Supplementary Figure 2A, Mousson de Camaret et al 2007. PubMed ID: 17073823). This variant is reported in 0.011% of alleles in individuals of European (Non-Finnish) descent in gnomAD. This variant is interpreted as pathogenic.

Dr. Peter K. Rogan Lab, Western University
No classification provided (evidence only). Condition: Lung cancer. Review status: no classification provided. Collection method: in vitro. Allele origin: not applicable. Functional consequence: retained intron. Not counted in ClinVar's aggregate classification.

Literature cited by the submitters: PubMed 17073823 (cited by Labcorp Genetics (formerly Invitae), Labcorp and Women's Health and Genetics/Laboratory Corporation of America, LabCorp); PubMed 17452231 (cited by Labcorp Genetics (formerly Invitae), Labcorp and Women's Health and Genetics/Laboratory Corporation of America, LabCorp); PubMed 18205204 (cited by Labcorp Genetics (formerly Invitae), Labcorp and Women's Health and Genetics/Laboratory Corporation of America, LabCorp); PubMed 17576681 (cited by Labcorp Genetics (formerly Invitae), Labcorp); PubMed 9536098 (cited by Labcorp Genetics (formerly Invitae), Labcorp); PubMed 24642831 (cited by Women's Health and Genetics/Laboratory Corporation of America, LabCorp).

NM_080916.3(DGUOK):c.591G>A (p.Gln197=)

Gene: DGUOK (deoxyguanosine kinase; plus strand). Cytogenetic location: 2p13.1.
Variant type: single nucleotide variant.
Coding change: c.591G>A on transcript NM_080916.3 (MANE Select); coding-DNA position 591, G replaced by A.
Protein change: p.Gln197=; no amino-acid change (glutamine 197 retained).
Molecular consequence: synonymous variant. On other transcripts: non-coding transcript variant (2), intron variant (2).
Genome position (GRCh38, 1-based): chr2:73,950,732, G>A. VCF-style: chr2-73950732-G-A. GRCh37 (hg19) VCF-style: chr2-74177859-G-A.
Other names: p.Q197Q:CAG>CAA; c.591G>A (NM_080916.2); c.300G>A, p.Gln100= (NM_001318860.2, NM_001318861.2); c.282G>A, p.Gln94= (NM_001318862.2, NM_001318863.2); c.443+3826G>A (NM_080918.3); c.425+3844G>A (NM_001318859.2).
Identifiers: ClinVar variation 214286 (VCV000214286.24), dbSNP rs748597500, ClinGen allele CA322101.
Genomic context (GRCh38, chr2:73,950,732, plus strand): 5'-GTGGGAGTTTGCCAGCCGGATCACATTACATGGCTTCATCTACCTCCAGGCTTCTCCCCA[G>A]GTAACACTGAACCTACAACCTTAGACTTTAGGGCCATATGAAACCTAAGAAGTGACATTC-3'
Protein context (NP_550438.1, residues 187-207): HGFIYLQASP[Gln197=]VCLKRLYQRA